The following is an entry in ClinVar:

ClinVar aggregate classification (germline): Uncertain significance (1 of 4 stars; one submission).

Allele frequency attached by ClinVar (database versions not stated): gnomAD exomes below 0.00001; TOPMed below 0.00001.
gnomAD v4.1: 3 of 1,595,394 alleles (0.00019%); highest among the groups gnomAD compares: Admixed American, 0.0052%; no homozygotes.

Submission:

Labcorp Genetics (formerly Invitae), Labcorp
Classification: Uncertain significance. Last evaluated: 2022-08-21. Review status: criteria provided, single submitter. Criteria: Invitae Variant Classification Sherloc (09022015). Collection method: clinical testing. Allele origin: germline.
Comment: In summary, the available evidence is currently insufficient to determine the role of this variant in disease. Therefore, it has been classified as a Variant of Uncertain Significance. Algorithms developed to predict the effect of sequence changes on RNA splicing suggest that this variant may disrupt the consensus splice site. Algorithms developed to predict the effect of missense changes on protein structure and function are either unavailable or do not agree on the potential impact of this missense change (SIFT: "Deleterious"; PolyPhen-2: "Probably Damaging"; Align-GVGD: "Class C15"). This variant has not been reported in the literature in individuals affected with SCLT1-related conditions. This variant is present in population databases (no rsID available, gnomAD 0.007%). This sequence change replaces lysine, which is basic and polar, with methionine, which is neutral and non-polar, at codon 183 of the SCLT1 protein (p.Lys183Met).

NM_144643.4(SCLT1):c.548A>T (p.Lys183Met)

Gene: SCLT1 (sodium channel and clathrin linker 1; minus strand). Cytogenetic location: 4q28.2.
Variant type: single nucleotide variant.
Coding change: c.548A>T on transcript NM_144643.4 (MANE Select); coding-DNA position 548, A replaced by T.
Protein change: p.Lys183Met; replaces lysine 183 with methionine.
Molecular consequence: missense variant.
Genome position (GRCh38, 1-based): chr4:128,999,673, T>A on the plus strand (A>T on the coding strand, the complement: SCLT1 is on the minus strand). VCF-style: chr4-128999673-T-A. GRCh37 (hg19) VCF-style: chr4-129920828-T-A.
Other names: c.548A>T, p.Lys183Met (NM_001410807.1); short protein forms K183M.
Identifiers: ClinVar variation 2414418 (VCV002414418.6), dbSNP rs1234597231, ClinGen allele CA358189745.
Genomic context (GRCh38, chr4:128,999,673, plus strand): 5'-GTTTCTTCAGAGTGCAATTTCTTATTGATATACAAGAAAATGATGAAATCCAAGATTACC[T>A]TTTGTTTTTGACTTTCAAATACATGAATCTGGGCCTCAGTCATATGTTCCTGGTAAAGCT-3'
Protein context (NP_653244.2, residues 173-193): QIHVFESQKQ[Lys183Met]DQLFDFQQLT